The following is an entry in ClinVar:

ClinVar aggregate classification (germline): Uncertain significance (1 of 4 stars; one submission).

Conditions:
Benign neonatal seizures. Also called: Benign familial neonatal seizures; Convulsions benign familial neonatal dominant form; Autosomal dominant form of benign neonatal seizures; Benign familial neonatal epilepsy; Benign neonatal familial convulsions. Identifiers: Orphanet 1949, MedGen C0220669, MONDO:0016027.

Submission:

Labcorp Genetics (formerly Invitae), Labcorp
Classification: Uncertain significance for Benign neonatal seizures. Last evaluated: 2023-10-03. Review status: criteria provided, single submitter. Criteria: Invitae Variant Classification Sherloc (09022015). Collection method: clinical testing. Allele origin: germline.
Comment: This sequence change replaces arginine, which is basic and polar, with glutamine, which is neutral and polar, at codon 431 of the KCNQ3 protein (p.Arg431Gln). Information on the frequency of this variant in the gnomAD database is not available, as this variant may be reported differently in the database. This variant has not been reported in the literature in individuals affected with KCNQ3-related conditions. ClinVar contains an entry for this variant (Variation ID: 1969797). An algorithm developed to predict the effect of missense changes on protein structure and function (PolyPhen-2) suggests that this variant is likely to be disruptive. In summary, the available evidence is currently insufficient to determine the role of this variant in disease. Therefore, it has been classified as a Variant of Uncertain Significance.

NM_004519.4(KCNQ3):c.1292_1293delinsAA (p.Arg431Gln)

Gene: KCNQ3 (potassium voltage-gated channel subfamily Q member 3; minus strand). Cytogenetic location: 8q24.22.
Variant type: Indel.
Coding change: c.1292_1293delinsAA on transcript NM_004519.4 (MANE Select); coding-DNA positions 1292 to 1293, GC replaced by AA.
Protein change: p.Arg431Gln; replaces arginine 431 with glutamine.
Molecular consequence: missense variant.
Genome position (GRCh38, 1-based): chr8:132,141,301-132,141,302, GC replaced by TT on the plus strand (GC replaced by AA on the coding strand, the reverse complement: KCNQ3 is on the minus strand). VCF-style: chr8-132141301-GC-TT. GRCh37 (hg19) VCF-style: chr8-133153548-GC-TT.
Other names: c.932_933delinsAA, p.Arg311Gln (NM_001204824.2); short protein forms R311Q, R431Q.
Identifiers: ClinVar variation 1969797 (VCV001969797.5), dbSNP rs2536882596, ClinGen allele CA2580078594.